The following is an entry in ClinVar:

ClinVar aggregate classification (germline): Pathogenic/Likely pathogenic. Review status: criteria provided, multiple submitters, no conflicts (2 of 4 stars). 4 submissions from 4 submitters: Pathogenic (3); Likely pathogenic (1). Last evaluated 2025-05-22.

Conditions:
Mitochondrial complex IV deficiency, nuclear type 12. Also called: Mitochondrial complex 4 deficiency, nuclear type 12. Identifiers: MedGen C5436695, MONDO:0033646, OMIM 619055.
Mitochondrial complex IV deficiency, nuclear type 1 (MC4DN1). Also called: COX DEFICIENCY; Mitochondrial complex IV deficiency; Complex 4 mitochondrial respiratory chain deficiency; Deficiency of mitochondrial respiratory chain complex4; Complex IV deficiency. Identifiers: MedGen C5435656, MONDO:0700250, OMIM 220110. Disease mechanism: loss of function.

Allele frequency attached by ClinVar (database versions not stated): gnomAD 0.00001; gnomAD exomes 0.00001; TOPMed 0.00001.
gnomAD v4.1: 13 of 1,536,278 alleles (0.00085%); highest among the groups gnomAD compares: Admixed American, 0.002%; no homozygotes.

Submissions (4):

Women's Health and Genetics/Laboratory Corporation of America, LabCorp
Classification: Pathogenic for Mitochondrial complex IV deficiency, nuclear type 1. Last evaluated: 2025-05-22. Review status: criteria provided, single submitter. Criteria: LabCorp Variant Classification Summary - May 2015. Collection method: clinical testing. Allele origin: germline.
Comment: Variant summary: PET100 c.1A>G (p.Met1Val) alters the initiation codon and is predicted to result either in absence of the protein or truncation of the encoded protein due to translation initiation at a downstream codon. The variant allele was found at a frequency of 7.2e-06 in 138732 control chromosomes. c.1A>G has been observed in a homozygous individual affected with Mitochondrial complex IV deficiency, nuclear type 1 (Gupta_2024). These data indicate that the variant may be associated with disease. Another inition codon variant, c.3G>C (p.Met1Ile) has been observed in multiple homozygous individuals affected with Mitochondrial complex IV deficiency, nuclear type 1 (PMID: 24462369), suggesting that the initiation codon is important for protein integrity and function. To our knowledge, no experimental evidence demonstrating an impact on protein function has been reported. The following publications have been ascertained in the context of this evaluation (PMID: 34440436, 39382773). ClinVar contains an entry for this variant (Variation ID: 1686017). Based on the evidence outlined above, the variant was classified as pathogenic.

Fulgent Genetics
Classification: Likely pathogenic for Mitochondrial complex IV deficiency, nuclear type 12. Last evaluated: 2024-05-09. Review status: criteria provided, single submitter. Criteria: ACMG Guidelines, 2015. Collection method: clinical testing. Allele origin: germline.

Labcorp Genetics (formerly Invitae), Labcorp
Classification: Pathogenic. Last evaluated: 2023-07-28. Review status: criteria provided, single submitter. Criteria: Invitae Variant Classification Sherloc (09022015). Collection method: clinical testing. Allele origin: germline.
Comment: This sequence change affects the initiator methionine of the PET100 mRNA. The next in-frame methionine is located at codon 10. The frequency data for this variant in the population databases is considered unreliable, as metrics indicate poor data quality at this position in the gnomAD database. Algorithms developed to predict the effect of sequence changes on RNA splicing suggest that this variant may create or strengthen a splice site. For these reasons, this variant has been classified as Pathogenic. Disruption of the initiator codon has been observed in individuals with PET100-related conditions (PMID: 24462369, 31406627, 32313153). ClinVar contains an entry for this variant (Variation ID: 1686017).

Mendelics
Classification: Pathogenic for Mitochondrial complex IV deficiency, nuclear type 12. Last evaluated: 2022-05-04. Review status: criteria provided, single submitter. Criteria: Mendelics Assertion Criteria 2019. Collection method: clinical testing. Allele origin: germline.

Literature cited by the submitters: PubMed 34440436 (cited by Women's Health and Genetics/Laboratory Corporation of America, LabCorp); PubMed 39382773 (cited by Women's Health and Genetics/Laboratory Corporation of America, LabCorp); PubMed 24462369 (cited by Labcorp Genetics (formerly Invitae), Labcorp); PubMed 31406627 (cited by Labcorp Genetics (formerly Invitae), Labcorp); PubMed 32313153 (cited by Labcorp Genetics (formerly Invitae), Labcorp).

NM_001171155.2(PET100):c.1A>G (p.Met1Val)

Genes: STXBP2 (syntaxin binding protein 2; plus strand), PET100 (PET100 cytochrome c oxidase chaperone; plus strand). Cytogenetic location: 19p13.2.
Variant type: single nucleotide variant.
Coding change: c.1A>G on transcript NM_001171155.2 (MANE Select); coding-DNA position 1, A replaced by G.
Protein change: p.Met1Val; changes the start codon (methionine 1).
Molecular consequence: missense variant, initiator codon variant. On other transcripts: non-coding transcript variant (1).
Genome position (GRCh38, 1-based): chr19:7,629,834, A>G. VCF-style: chr19-7629834-A-G. GRCh37 (hg19) VCF-style: chr19-7694720-A-G.
Other names: short protein forms M1V.
Identifiers: ClinVar variation 1686017 (VCV001686017.7), dbSNP rs977392512, ClinGen allele CA304898369.